The following is an entry in ClinVar:

ClinVar aggregate classification (germline): Uncertain significance. Review status: criteria provided, multiple submitters, no conflicts (2 of 4 stars). 2 submissions from 2 submitters: Uncertain significance (2). Last evaluated 2025-11-11.

Conditions:
Inborn genetic diseases. Identifiers: MedGen C0950123, MeSH D030342.

gnomAD v4.1: 1 of 1,614,220 alleles (0.000062%); highest among the groups gnomAD compares: Non-Finnish European, 0.000085%; no homozygotes.

Submissions (2):

Ambry Genetics
Classification: Uncertain significance for Inborn genetic diseases. Last evaluated: 2025-11-11. Review status: criteria provided, single submitter. Criteria: Ambry Variant Classification Scheme 2023. Collection method: clinical testing. Allele origin: germline.

Labcorp Genetics (formerly Invitae), Labcorp
Classification: Uncertain significance. Last evaluated: 2024-06-21. Review status: criteria provided, single submitter. Criteria: Invitae Variant Classification Sherloc (09022015). Collection method: clinical testing. Allele origin: germline.
Comment: This sequence change replaces isoleucine, which is neutral and non-polar, with valine, which is neutral and non-polar, at codon 1908 of the TRRAP protein (p.Ile1908Val). This variant is not present in population databases (gnomAD no frequency). This variant has not been reported in the literature in individuals affected with TRRAP-related conditions. Advanced modeling of protein sequence and biophysical properties (such as structural, functional, and spatial information, amino acid conservation, physicochemical variation, residue mobility, and thermodynamic stability) performed at Invitae indicates that this missense variant is not expected to disrupt TRRAP protein function with a negative predictive value of 80%. In summary, the available evidence is currently insufficient to determine the role of this variant in disease. Therefore, it has been classified as a Variant of Uncertain Significance.

NM_001375524.1(TRRAP):c.5797A>G (p.Ile1933Val)

Gene: TRRAP (transformation/transcription domain associated protein; plus strand). Cytogenetic location: 7q22.1.
Variant type: single nucleotide variant.
Coding change: c.5797A>G on transcript NM_001375524.1 (MANE Select); coding-DNA position 5797, A replaced by G.
Protein change: p.Ile1933Val; replaces isoleucine 1933 with valine.
Molecular consequence: missense variant.
Genome position (GRCh38, 1-based): chr7:98,955,164, A>G. VCF-style: chr7-98955164-A-G. GRCh37 (hg19) VCF-style: chr7-98552787-A-G.
Other names: c.5776A>G, p.Ile1926Val (NM_001244580.2); c.5722A>G, p.Ile1908Val (NM_003496.4); c.5776A>G (NM_001244580.1); short protein forms I1908V, I1926V, I1933V.
Identifiers: ClinVar variation 3605651 (VCV003605651.3).
Genomic context (GRCh38, chr7:98,955,164, plus strand): 5'-CATAGTCTCCTCAAGGCTCACGCAATGGAAGCTCGAGCGATCGTCAGACAGGCGATGGCC[A>G]TTCTGACCCCGGCGGTGCCGGCCAGGATGGAGGACGGGCACCAGATGCTGACCCACTGGA-3'
Protein context (NP_001362453.1, residues 1923-1943): ARAIVRQAMA[Ile1933Val]LTPAVPARME